The following is an entry in ClinVar:

NM_006415.4(SPTLC1):c.889-5G>A

Gene: SPTLC1 (serine palmitoyltransferase long chain base subunit 1; minus strand). Cytogenetic location: 9q22.31.
Variant type: single nucleotide variant.
Coding change: c.889-5G>A on transcript NM_006415.4 (MANE Select); 5 bases into the intron before coding-DNA position 889, G replaced by A.
Molecular consequence: intron variant.
Genome position (GRCh38, 1-based): chr9:92,047,713, C>T on the plus strand (G>A on the coding strand, the complement: SPTLC1 is on the minus strand). VCF-style: chr9-92047713-C-T. GRCh37 (hg19) VCF-style: chr9-94809995-C-T.
Other names: c.889-5G>A (LRG_272t1, NM_001281303.2); c.523-5G>A (NM_001368272.1); c.424-5G>A (NM_001368273.1).
Identifiers: ClinVar variation 245877 (VCV000245877.12), dbSNP rs763731160, ClinGen allele CA5121390.

ClinVar aggregate classification (germline): Uncertain significance. Review status: criteria provided, multiple submitters, no conflicts (2 of 4 stars). 4 submissions from 4 submitters: Uncertain significance (4). Last evaluated 2025-10-29.

Conditions:
Hereditary sensory and autonomic neuropathy type 1 (HSAN1). Also called: HSAN 1; HSN Type I; Hereditary Sensory Neuropathy Type I. Identifiers: Orphanet 36386, MedGen C0020071, MONDO:0018213.
Inborn genetic diseases. Identifiers: MedGen C0950123, MeSH D030342.

Allele frequency attached by ClinVar (database versions not stated): TOPMed 0.00004; gnomAD 0.00005 and 0.00004; gnomAD exomes 0.00002; ExAC 0.00004.
gnomAD v4.1: 21 of 1,602,290 alleles (0.0013%); highest among the groups gnomAD compares: Admixed American, 0.0033%; no homozygotes.

Submissions (4):

Women's Health and Genetics/Laboratory Corporation of America, LabCorp
Classification: Uncertain significance. Last evaluated: 2025-10-29. Review status: criteria provided, single submitter. Criteria: LabCorp Variant Classification Summary - May 2015. Collection method: clinical testing. Allele origin: germline.
Comment: Variant summary: SPTLC1 c.889-5G>A alters a conserved nucleotide located at a position not widely known to affect splicing. Several computational tools predict a significant impact on normal splicing: Three predict the variant abolishes/weakens a canonical 3' acceptor site. Four predict the variant creates a cryptic 3' acceptor site. However, these predictions have yet to be confirmed by functional studies. The variant allele was found at a frequency of 2e-05 in 250072 control chromosomes. The available data on variant occurrences in the general population are insufficient to allow any conclusion about variant significance. To our knowledge, no occurrence of c.889-5G>A in individuals affected with SPTLC1-related conditions and no experimental evidence demonstrating its impact on protein function have been reported. ClinVar contains an entry for this variant (Variation ID: 245877). Based on the evidence outlined above, the variant was classified as uncertain significance.

Labcorp Genetics (formerly Invitae), Labcorp
Classification: Uncertain significance for Hereditary sensory and autonomic neuropathy type 1. Last evaluated: 2024-05-06. Review status: criteria provided, single submitter. Criteria: Invitae Variant Classification Sherloc (09022015). Collection method: clinical testing. Allele origin: germline.
Comment: This sequence change falls in intron 9 of the SPTLC1 gene. It does not directly change the encoded amino acid sequence of the SPTLC1 protein. This variant is present in population databases (rs763731160, gnomAD 0.003%). This variant has been observed in individual(s) with clinical features of hereditary sensory and autonomic neuropathy (Invitae). ClinVar contains an entry for this variant (Variation ID: 245877). Algorithms developed to predict the effect of sequence changes on RNA splicing suggest that this variant may create or strengthen a splice site. In summary, the available evidence is currently insufficient to determine the role of this variant in disease. Therefore, it has been classified as a Variant of Uncertain Significance.

Ambry Genetics
Classification: Uncertain significance for Inborn genetic diseases. Last evaluated: 2021-03-30. Review status: criteria provided, single submitter. Criteria: Ambry Variant Classification Scheme 2023. Collection method: clinical testing. Allele origin: germline.
Comment: The c.889-5G>A intronic variant results from a G to A substitution 5 nucleotides upstream from coding exon 10 in the SPTLC1 gene. This nucleotide position is highly conserved in available vertebrate species. In silico splice site analysis predicts that this alteration will result in the creation or strengthening of a novel splice acceptor site. Since supporting evidence is limited at this time, the clinical significance of this alteration remains unclear.

GeneDx
Classification: Uncertain significance. Last evaluated: 2015-08-27. Review status: criteria provided, single submitter. Criteria: GeneDx Variant Classification (06012015). Collection method: clinical testing. Allele origin: germline. Affected: yes.
Comment: The R2948H variant has not been published as pathogenic, nor has it been reported as a benign polymorphism to our knowledge. It was not observed in approximately 6,500 individuals of European and African American ancestry in the NHLBI Exome Sequencing Project, indicating it is not a common benign variant in these populations. This substitution occurs at a position that is conserved across species, and in silico analysis predicts this variant is probably damaging to the protein structure/function. However, the R2948H variant is a conservative amino acid substitution, which is not likely to impact secondary protein structure as these residues share similar properties. Therefore, based on the currently available information, it is unclear whether this variant is a pathogenic variant or a rare benign variant.